The following is an entry in ClinVar:

ClinVar aggregate classification (germline): Uncertain significance. Review status: criteria provided, multiple submitters, no conflicts (2 of 4 stars). 2 submissions from 2 submitters: Uncertain significance (2). Last evaluated 2025-05-07.

Conditions:
Inborn genetic diseases. Identifiers: MedGen C0950123, MeSH D030342.
Early-infantile DEE. Also called: Ohtahara syndrome; Early infantile epileptic encephalopathy with suppression bursts; Early infantile epileptic encephalopathy. Identifiers: Orphanet 1934, MedGen C0393706, MONDO:0800491.

Allele frequency attached by ClinVar (database versions not stated): ExAC 0.00001; gnomAD exomes below 0.00001.
gnomAD v4.1: 1 of 1,613,684 alleles (0.000062%); highest among the groups gnomAD compares: East Asian, 0.0022%; no homozygotes.

Submissions (2):

Ambry Genetics
Classification: Uncertain significance for Inborn genetic diseases. Last evaluated: 2025-05-07. Review status: criteria provided, single submitter. Criteria: Ambry Variant Classification Scheme 2023. Collection method: clinical testing. Allele origin: germline.

Labcorp Genetics (formerly Invitae), Labcorp
Classification: Uncertain significance for Early-infantile DEE. Last evaluated: 2025-03-31. Review status: criteria provided, single submitter. Criteria: Invitae Variant Classification Sherloc (09022015). Collection method: clinical testing. Allele origin: germline.
Comment: This sequence change replaces lysine, which is basic and polar, with arginine, which is basic and polar, at codon 1989 of the SPTAN1 protein (p.Lys1989Arg). This variant is present in population databases (rs750746952, gnomAD 0.01%). This variant has not been reported in the literature in individuals affected with SPTAN1-related conditions. ClinVar contains an entry for this variant (Variation ID: 2853708). Invitae Evidence Modeling of protein sequence and biophysical properties (such as structural, functional, and spatial information, amino acid conservation, physicochemical variation, residue mobility, and thermodynamic stability) has been performed for this missense variant. However, the output from this modeling did not meet the statistical confidence thresholds required to predict the impact of this variant on SPTAN1 protein function. In summary, the available evidence is currently insufficient to determine the role of this variant in disease. Therefore, it has been classified as a Variant of Uncertain Significance.

NM_001130438.3(SPTAN1):c.5966A>G (p.Lys1989Arg)

Gene: SPTAN1 (spectrin alpha, non-erythrocytic 1; plus strand). Cytogenetic location: 9q34.11.
Variant type: single nucleotide variant.
Coding change: c.5966A>G on transcript NM_001130438.3 (MANE Select); coding-DNA position 5966, A replaced by G.
Protein change: p.Lys1989Arg; replaces lysine 1989 with arginine.
Molecular consequence: missense variant.
Genome position (GRCh38, 1-based): chr9:128,624,461, A>G. VCF-style: chr9-128624461-A-G. GRCh37 (hg19) VCF-style: chr9-131386740-A-G.
Other names: c.6002A>G, p.Lys2001Arg (NM_001375318.1, NM_001375312.2); c.5951A>G, p.Lys1984Arg (NM_003127.4); c.5966A>G (NM_001130438.2); c.5891A>G, p.Lys1964Arg (NM_001195532.2); c.5966A>G, p.Lys1989Arg (NM_001363759.2, NM_001375310.1, NM_001375311.2 and 1 more transcripts); c.5906A>G, p.Lys1969Arg (NM_001363765.2, NM_001375314.2); short protein forms K1984R, K1969R, K2001R, K1964R, K1989R.
Identifiers: ClinVar variation 2853708 (VCV002853708.4), dbSNP rs750746952, ClinGen allele CA5265604.